The following is an entry in ClinVar:

ClinVar aggregate classification (germline): Uncertain significance (1 of 4 stars; one submission).

gnomAD v4.1: 4 of 1,212,406 alleles (0.00033%); highest among the groups gnomAD compares: Admixed American, 0.0087%; no homozygotes.

Submission:

Labcorp Genetics (formerly Invitae), Labcorp
Classification: Uncertain significance. Last evaluated: 2024-05-23. Review status: criteria provided, single submitter. Criteria: Invitae Variant Classification Sherloc (09022015). Collection method: clinical testing. Allele origin: germline.
Comment: This sequence change replaces threonine, which is neutral and polar, with isoleucine, which is neutral and non-polar, at codon 145 of the ATP6AP1 protein (p.Thr145Ile). This variant is present in population databases (rs782585256, gnomAD 0.01%). This variant has not been reported in the literature in individuals affected with ATP6AP1-related conditions. Advanced modeling of protein sequence and biophysical properties (such as structural, functional, and spatial information, amino acid conservation, physicochemical variation, residue mobility, and thermodynamic stability) performed at Invitae indicates that this missense variant is not expected to disrupt ATP6AP1 protein function with a negative predictive value of 80%. In summary, the available evidence is currently insufficient to determine the role of this variant in disease. Therefore, it has been classified as a Variant of Uncertain Significance.

NM_001183.6(ATP6AP1):c.434C>T (p.Thr145Ile)

Gene: ATP6AP1 (ATPase H+ transporting accessory protein 1; plus strand). Cytogenetic location: Xq28.
Variant type: single nucleotide variant.
Coding change: c.434C>T on transcript NM_001183.6 (MANE Select); coding-DNA position 434, C replaced by T.
Protein change: p.Thr145Ile; replaces threonine 145 with isoleucine.
Molecular consequence: missense variant.
Genome position (GRCh38, 1-based): chrX:154,432,336, C>T. VCF-style: chrX-154432336-C-T. GRCh37 (hg19) VCF-style: chrX-153660682-C-T.
Other names: short protein forms T145I.
Identifiers: ClinVar variation 3712307 (VCV003712307.1).